The following is an entry in ClinVar:

ClinVar aggregate classification (germline): Uncertain significance. Review status: criteria provided, multiple submitters, no conflicts (2 of 4 stars). 2 submissions from 2 submitters: Uncertain significance (2). Last evaluated 2024-10-15.

Conditions:
Werner syndrome (WRN). Identifiers: Orphanet 902, MedGen C0043119, MONDO:0010196, OMIM 277700.

Allele frequency attached by ClinVar (database versions not stated): gnomAD exomes below 0.00001; gnomAD 0.00001; TOPMed 0.00001.
gnomAD v4.1: 3 of 1,614,010 alleles (0.00019%); highest among the groups gnomAD compares: Non-Finnish European, 0.00017%; no homozygotes.

Submissions (2):

Blueprint Genetics
Classification: Uncertain significance. Last evaluated: 2024-10-15. Review status: criteria provided, single submitter. Criteria: ACMG Guidelines, 2015. Collection method: clinical testing. Allele origin: germline.

Labcorp Genetics (formerly Invitae), Labcorp
Classification: Uncertain significance for Werner syndrome. Last evaluated: 2024-04-30. Review status: criteria provided, single submitter. Criteria: Invitae Variant Classification Sherloc (09022015). Collection method: clinical testing. Allele origin: germline.
Comment: This sequence change replaces leucine, which is neutral and non-polar, with isoleucine, which is neutral and non-polar, at codon 986 of the WRN protein (p.Leu986Ile). This variant is present in population databases (no rsID available, gnomAD no frequency). This variant has not been reported in the literature in individuals affected with WRN-related conditions. ClinVar contains an entry for this variant (Variation ID: 665940). An algorithm developed to predict the effect of missense changes on protein structure and function (PolyPhen-2) suggests that this variant is likely to be disruptive. In summary, the available evidence is currently insufficient to determine the role of this variant in disease. Therefore, it has been classified as a Variant of Uncertain Significance.

NM_000553.6(WRN):c.2956C>A (p.Leu986Ile)

Gene: WRN (WRN RecQ like helicase; plus strand). Cytogenetic location: 8p12.
Variant type: single nucleotide variant.
Coding change: c.2956C>A on transcript NM_000553.6 (MANE Select); coding-DNA position 2956, C replaced by A.
Protein change: p.Leu986Ile; replaces leucine 986 with isoleucine.
Molecular consequence: missense variant.
Genome position (GRCh38, 1-based): chr8:31,132,495, C>A. VCF-style: chr8-31132495-C-A. GRCh37 (hg19) VCF-style: chr8-30990011-C-A.
Other names: short protein forms L986I.
Identifiers: ClinVar variation 665940 (VCV000665940.6), dbSNP rs1027359163, ClinGen allele CA174888650.